The following is an entry in ClinVar:

ClinVar aggregate classification (germline): Uncertain significance (1 of 4 stars; one submission).

Allele frequency attached by ClinVar (database versions not stated): ExAC 0.00001; ESP Exome Variant Server 0.00009.

Submission:

GeneDx
Classification: Uncertain significance. Last evaluated: 2022-05-20. Review status: criteria provided, single submitter. Criteria: GeneDx Variant Classification Process June 2021. Collection method: clinical testing. Allele origin: germline. Affected: yes.
Comment: Not observed at significant frequency in large population cohorts (gnomAD); In silico analysis supports that this missense variant has a deleterious effect on protein structure/function; Has not been previously published as pathogenic or benign to our knowledge

NM_000292.3(PHKA2):c.3286C>T (p.His1096Tyr)

Gene: PHKA2 (phosphorylase kinase regulatory subunit alpha 2; minus strand). Cytogenetic location: Xp22.13.
Variant type: single nucleotide variant.
Coding change: c.3286C>T on transcript NM_000292.3 (MANE Select); coding-DNA position 3286, C replaced by T.
Protein change: p.His1096Tyr; replaces histidine 1096 with tyrosine.
Molecular consequence: missense variant.
Genome position (GRCh38, 1-based): chrX:18,895,188, G>A on the plus strand (C>T on the coding strand, the complement: PHKA2 is on the minus strand). VCF-style: chrX-18895188-G-A. GRCh37 (hg19) VCF-style: chrX-18913306-G-A.
Other names: short protein forms H1096Y.
Identifiers: ClinVar variation 1800723 (VCV001800723.1), dbSNP rs148627941, ClinGen allele CA10361356.